The following is an entry in ClinVar:

NM_133433.4(NIPBL):c.241del (p.Asp81fs)

Gene: NIPBL (NIPBL cohesin loading factor; plus strand). Cytogenetic location: 5p13.2.
Variant type: Deletion.
Coding change: c.241del on transcript NM_133433.4 (MANE Select); coding-DNA position 241, one base deleted (G; older notation c.241delG).
Protein change: p.Asp81fs; shifts the reading frame from aspartic acid 81.
Molecular consequence: frameshift variant.
Genome position (GRCh38, 1-based): chr5:36,958,114, G deleted. VCF-style (leftmost placement, unchanged base first): chr5-36958113-AG-A. GRCh37 (hg19) VCF-style: chr5-36958215-AG-A.
Other names: c.241del, p.Asp81fs (NM_015384.5); short protein forms D81fs.
Identifiers: ClinVar variation 861409 (VCV000861409.7), dbSNP rs1741183871, ClinGen allele CA916082703.

ClinVar aggregate classification (germline): Pathogenic (1 of 4 stars; one submission).

Conditions:
Cornelia de Lange syndrome 1 (CDLS1). Also called: Brachmann de Lange syndrome; TYPUS DEGENERATIVUS AMSTELODAMENSIS; NIPBL-Related Cornelia de Lange Syndrome. Identifiers: Orphanet 199, MedGen C4551851, MONDO:0007387, OMIM 122470.

Submission:

Labcorp Genetics (formerly Invitae), Labcorp
Classification: Pathogenic for Cornelia de Lange syndrome 1. Last evaluated: 2019-03-18. Review status: criteria provided, single submitter. Criteria: Invitae Variant Classification Sherloc (09022015). Collection method: clinical testing. Allele origin: germline.
Comment: This sequence change creates a premature translational stop signal (p.Asp81Ilefs*41) in the NIPBL gene. It is expected to result in an absent or disrupted protein product. This variant is not present in population databases (ExAC no frequency). This variant has not been reported in the literature in individuals with NIPBL-related conditions. Loss-of-function variants in NIPBL are known to be pathogenic (PMID: 15318302, 19763162, 23505322, 29995837). For these reasons, this variant has been classified as Pathogenic.

Literature cited by the submitters: PubMed 15318302; PubMed 19763162; PubMed 23505322; PubMed 29995837.